The following is an entry in ClinVar:

ClinVar aggregate classification (germline): Uncertain significance. Review status: criteria provided, multiple submitters, no conflicts (2 of 4 stars). 2 submissions from 2 submitters: Uncertain significance (2). Last evaluated 2024-11-11.

Allele frequency attached by ClinVar (database versions not stated): TOPMed 0.00001; ExAC 0.00001; gnomAD 0.00001.

Submissions (2):

Revvity Omics, Revvity
Classification: Uncertain significance. Last evaluated: 2024-11-11. Review status: criteria provided, single submitter. Criteria: ACMG Guidelines, 2015. Collection method: clinical testing. Allele origin: germline.

GeneDx
Classification: Uncertain significance. Last evaluated: 2019-11-12. Review status: criteria provided, single submitter. Criteria: GeneDx Variant Classification Process June 2021. Collection method: clinical testing. Allele origin: germline. Affected: yes.
Comment: In silico analysis, which includes protein predictors and evolutionary conservation, supports a deleterious effect; Has not been previously published as pathogenic or benign to our knowledge; No data available from control populations to assess the frequency of this variant; This variant is associated with the following publications: (PMID: 28676128)

NM_000203.5(IDUA):c.1102C>T (p.Arg368Cys)

Gene: IDUA (alpha-L-iduronidase; plus strand). Cytogenetic location: 4p16.3.
Variant type: single nucleotide variant.
Coding change: c.1102C>T on transcript NM_000203.5 (MANE Select); coding-DNA position 1102, C replaced by T.
Protein change: p.Arg368Cys; replaces arginine 368 with cysteine.
Molecular consequence: missense variant. On other transcripts: non-coding transcript variant (1).
Genome position (GRCh38, 1-based): chr4:1,002,398, C>T. VCF-style: chr4-1002398-C-T. GRCh37 (hg19) VCF-style: chr4-996186-C-T.
Other names: c.706C>T, p.Arg236Cys (NM_001363576.1); short protein forms R236C, R368C.
Identifiers: ClinVar variation 1310430 (VCV001310430.4), dbSNP rs754681846, ClinGen allele CA2802188.